The following is an entry in ClinVar:

NM_001256447.2(BCAP31):c.218A>T (p.Tyr73Phe)

Gene: BCAP31 (B cell receptor associated protein 31; minus strand). Cytogenetic location: Xq28.
Variant type: single nucleotide variant.
Coding change: c.218A>T on transcript NM_001256447.2 (MANE Select); coding-DNA position 218, A replaced by T.
Protein change: p.Tyr73Phe; replaces tyrosine 73 with phenylalanine.
Molecular consequence: missense variant.
Genome position (GRCh38, 1-based): chrX:153,715,665, T>A on the plus strand (A>T on the coding strand, the complement: BCAP31 is on the minus strand). VCF-style: chrX-153715665-T-A. GRCh37 (hg19) VCF-style: chrX-152981120-T-A.
Other names: c.218A>T, p.Tyr73Phe (NM_001139441.1, NM_005745.8); c.419A>T, p.Tyr140Phe (NM_001139457.2); short protein forms Y73F, Y140F.
Identifiers: ClinVar variation 3663888 (VCV003663888.2).
Genomic context (GRCh38, chrX:153,715,665, plus strand): 5'-TGGAAGTGCTCCATGGCCCCGGGATTGTTCTGGAGGTTCACCTTTTCCGTCACATCATCA[T>A]ACTTCCGAATTTCGCGCACGGCATCTGTGGTGGAGCAGAGAGGAGACACGGGCATTTAGC-3'
Protein context (NP_001243376.1, residues 63-83): VIDAVREIRK[Tyr73Phe]DDVTEKVNLQ

ClinVar aggregate classification (germline): Uncertain significance (1 of 4 stars; one submission).

Submission:

Labcorp Genetics (formerly Invitae), Labcorp
Classification: Uncertain significance. Last evaluated: 2024-08-29. Review status: criteria provided, single submitter. Criteria: Invitae Variant Classification Sherloc (09022015). Collection method: clinical testing. Allele origin: germline.
Comment: This sequence change replaces tyrosine, which is neutral and polar, with phenylalanine, which is neutral and non-polar, at codon 73 of the BCAP31 protein (p.Tyr73Phe). This variant is not present in population databases (gnomAD no frequency). This variant has not been reported in the literature in individuals affected with BCAP31-related conditions. An algorithm developed to predict the effect of missense changes on protein structure and function (PolyPhen-2) suggests that this variant is likely to be disruptive. In summary, the available evidence is currently insufficient to determine the role of this variant in disease. Therefore, it has been classified as a Variant of Uncertain Significance.